The following is an entry in ClinVar:

NM_005431.2(XRCC2):c.613T>C (p.Ser205Pro)

Gene: XRCC2 (X-ray repair cross complementing 2; minus strand). Cytogenetic location: 7q36.1.
Variant type: single nucleotide variant.
Coding change: c.613T>C on transcript NM_005431.2 (MANE Select); coding-DNA position 613, T replaced by C.
Protein change: p.Ser205Pro; replaces serine 205 with proline.
Molecular consequence: missense variant.
Genome position (GRCh38, 1-based): chr7:152,648,872, A>G on the plus strand (T>C on the coding strand, the complement: XRCC2 is on the minus strand). VCF-style: chr7-152648872-A-G. GRCh37 (hg19) VCF-style: chr7-152345957-A-G.
Other names: short protein forms S205P.
Identifiers: ClinVar variation 3471443 (VCV003471443.1).

ClinVar aggregate classification (germline): Uncertain significance (1 of 4 stars; one submission).

Conditions:
Hereditary cancer-predisposing syndrome. Also called: Tumor predisposition; Neoplastic Syndromes, Hereditary; Hereditary neoplastic syndrome; Hereditary Cancer Syndrome. Identifiers: Orphanet 140162, MedGen C0027672, MeSH D009386, MONDO:0015356.

Submission:

Ambry Genetics
Classification: Uncertain significance for Hereditary cancer-predisposing syndrome. Last evaluated: 2024-11-01. Review status: criteria provided, single submitter. Criteria: Ambry Variant Classification Scheme 2023. Collection method: clinical testing. Allele origin: germline.
Comment: The p.S205P variant (also known as c.613T>C), located in coding exon 3 of the XRCC2 gene, results from a T to C substitution at nucleotide position 613. The serine at codon 205 is replaced by proline, an amino acid with similar properties. This amino acid position is conserved. In addition, this alteration is predicted to be tolerated by in silico analysis. Based on the available evidence, the clinical significance of this variant remains unclear.